The following is an entry in ClinVar:

NM_001365276.2(TNXB):c.4694C>G (p.Pro1565Arg)

Gene: TNXB (tenascin XB; minus strand). Cytogenetic location: 6p21.33.
Variant type: single nucleotide variant.
Coding change: c.4694C>G on transcript NM_001365276.2 (MANE Select); coding-DNA position 4694, C replaced by G.
Protein change: p.Pro1565Arg; replaces proline 1565 with arginine.
Molecular consequence: missense variant.
Genome position (GRCh38, 1-based): chr6:32,072,286, G>C on the plus strand (C>G on the coding strand, the complement: TNXB is on the minus strand). VCF-style: chr6-32072286-G-C. GRCh37 (hg19) VCF-style: chr6-32040063-G-C.
Other names: p.Pro1565Arg; c.4694C>G, p.Pro1565Arg (NM_019105.8); short protein forms P1565R.
Identifiers: ClinVar variation 1742495 (VCV001742495.4), dbSNP rs199784025, ClinGen allele CA363421588.
Genomic context (GRCh38, chr6:32,072,286, plus strand): 5'-ACTGTCAGCTCCCCTAGGCGTGGCTCCAGGGGAGGCTTGGAGGCCTCTGTGGCTGGGGCT[G>C]GTGGGAGGGGAGCTGGGATTTGGGAAGACAAAGAACATGGTTGAGATCTCTGAGGGGAGA-3'
Protein context (NP_001352205.1, residues 1555-1575): SVVIVTAPLP[Pro1565Arg]APATEASKPP

ClinVar aggregate classification (germline): Uncertain significance. Review status: criteria provided, multiple submitters, no conflicts (2 of 4 stars). 2 submissions from 2 submitters: Uncertain significance (2). Last evaluated 2025-05-25.

Conditions:
Cardiovascular phenotype. Identifiers: MedGen CN230736.

Allele frequency attached by ClinVar (database versions not stated): gnomAD 0.00001; TOPMed 0.00002.
gnomAD v4.1: 45 of 1,597,518 alleles (0.0028%); highest among the groups gnomAD compares: Non-Finnish European, 0.0036%; no homozygotes.

Submissions (2):

Mayo Clinic Laboratories, Mayo Clinic
Classification: Uncertain significance. Last evaluated: 2025-05-25. Review status: criteria provided, single submitter. Criteria: ACMG Guidelines, 2015. Collection method: clinical testing. Allele origin: germline. Observed: 1 variant allele.
Comment: BP4_moderate, PM2_supporting

Ambry Genetics
Classification: Uncertain significance for Cardiovascular phenotype. Last evaluated: 2025-02-05. Review status: criteria provided, single submitter. Criteria: Ambry Variant Classification Scheme 2023. Collection method: clinical testing. Allele origin: germline.